The following is an entry in ClinVar:

NM_000235.4(LIPA):c.282C>A (p.Asn94Lys)

Gene: LIPA (lipase A, lysosomal acid type; minus strand). Cytogenetic location: 10q23.31.
Variant type: single nucleotide variant.
Coding change: c.282C>A on transcript NM_000235.4 (MANE Select); coding-DNA position 282, C replaced by A.
Protein change: p.Asn94Lys; replaces asparagine 94 with lysine.
Molecular consequence: missense variant. On other transcripts: 5 prime UTR variant (1).
Genome position (GRCh38, 1-based): chr10:89,228,346, G>T on the plus strand (C>A on the coding strand, the complement: LIPA is on the minus strand). VCF-style: chr10-89228346-G-T. GRCh37 (hg19) VCF-style: chr10-90988103-G-T.
Other names: c.282C>A, p.Asn94Lys (NM_001127605.3); c.-67C>A (NM_001288979.2); short protein forms N94K.
Identifiers: ClinVar variation 2009378 (VCV002009378.4), dbSNP rs2495595945, ClinGen allele CA377518048.

ClinVar aggregate classification (germline): Uncertain significance (1 of 4 stars; one submission).

Conditions:
Wolman disease (WOLD). Also called: Acid cholesteryl ester hydrolase deficiency, Wolman type; Acid lipase disease; LYSOSOMAL ACID LIPASE DEFICIENCY, ACUTE INFANTILE; LYSOSOMAL ACID LIPASE DEFICIENCY, COMPLETE; LIPA DEFICIENCY, COMPLETE; LAL DEFICIENCY, COMPLETE. Identifiers: Orphanet 75233, MedGen C0043208, MONDO:0019148, OMIM 620151.

Submission:

Labcorp Genetics (formerly Invitae), Labcorp
Classification: Uncertain significance for Wolman disease. Last evaluated: 2022-06-22. Review status: criteria provided, single submitter. Criteria: Invitae Variant Classification Sherloc (09022015). Collection method: clinical testing. Allele origin: germline.
Comment: Algorithms developed to predict the effect of missense changes on protein structure and function are either unavailable or do not agree on the potential impact of this missense change (SIFT: "Tolerated"; PolyPhen-2: "Probably Damaging"; Align-GVGD: "Class C0"). In summary, the available evidence is currently insufficient to determine the role of this variant in disease. Therefore, it has been classified as a Variant of Uncertain Significance. This variant has not been reported in the literature in individuals affected with LIPA-related conditions. This variant is not present in population databases (gnomAD no frequency). This sequence change replaces asparagine, which is neutral and polar, with lysine, which is basic and polar, at codon 94 of the LIPA protein (p.Asn94Lys).